The following is an entry in ClinVar:

NM_000422.3(KRT17):c.814G>A (p.Glu272Lys)

Gene: KRT17 (keratin 17; minus strand). Cytogenetic location: 17q21.2.
Variant type: single nucleotide variant.
Coding change: c.814G>A on transcript NM_000422.3 (MANE Select); coding-DNA position 814, G replaced by A.
Protein change: p.Glu272Lys; replaces glutamic acid 272 with lysine.
Molecular consequence: missense variant.
Genome position (GRCh38, 1-based): chr17:41,621,613, C>T on the plus strand (G>A on the coding strand, the complement: KRT17 is on the minus strand). VCF-style: chr17-41621613-C-T. GRCh37 (hg19) VCF-style: chr17-39777865-C-T.
Other names: short protein forms E272K.
Identifiers: ClinVar variation 2167967 (VCV002167967.4), dbSNP rs767912889, ClinGen allele CA8563599.

ClinVar aggregate classification (germline): Uncertain significance (1 of 4 stars; one submission).

Allele frequency attached by ClinVar (database versions not stated): gnomAD exomes 0.00002; gnomAD 0.00003; ExAC 0.00005; TOPMed 0.00005.

Submission:

Labcorp Genetics (formerly Invitae), Labcorp
Classification: Uncertain significance. Last evaluated: 2022-03-27. Review status: criteria provided, single submitter. Criteria: Invitae Variant Classification Sherloc (09022015). Collection method: clinical testing. Allele origin: germline.
Comment: This sequence change replaces glutamic acid, which is acidic and polar, with lysine, which is basic and polar, at codon 272 of the KRT17 protein (p.Glu272Lys). This variant is present in population databases (rs767912889, gnomAD 0.02%), including at least one homozygous and/or hemizygous individual. This variant has not been reported in the literature in individuals affected with KRT17-related conditions. Algorithms developed to predict the effect of missense changes on protein structure and function (SIFT, PolyPhen-2, Align-GVGD) all suggest that this variant is likely to be disruptive. In summary, the available evidence is currently insufficient to determine the role of this variant in disease. Therefore, it has been classified as a Variant of Uncertain Significance.